The following is an entry in ClinVar:

ClinVar aggregate classification (germline): Uncertain significance (1 of 4 stars; one submission).

Submission:

GeneDx
Classification: Uncertain significance. Last evaluated: 2025-06-10. Review status: criteria provided, single submitter. Criteria: GeneDx Variant Classification Process June 2021. Collection method: clinical testing. Allele origin: germline. Affected: yes.
Comment: Not observed at significant frequency in large population cohorts (gnomAD); In silico analysis supports that this missense variant has a deleterious effect on protein structure/function; Has not been previously published as pathogenic or benign to our knowledge

NM_016239.4(MYO15A):c.8830C>A (p.Pro2944Thr)

Gene: MYO15A (myosin XVA; plus strand). Cytogenetic location: 17p11.2.
Variant type: single nucleotide variant.
Coding change: c.8830C>A on transcript NM_016239.4 (MANE Select); coding-DNA position 8830, C replaced by A.
Protein change: p.Pro2944Thr; replaces proline 2944 with threonine.
Molecular consequence: missense variant.
Genome position (GRCh38, 1-based): chr17:18,157,763, C>A. VCF-style: chr17-18157763-C-A. GRCh37 (hg19) VCF-style: chr17-18061077-C-A.
Other names: short protein forms P2944T.
Identifiers: ClinVar variation 4538016 (VCV004538016.1).
Genomic context (GRCh38, chr17:18,157,763, plus strand): 5'-ACCTTTTACCCACCCCTAGGCTGGAGGTTCGGGACCATCCACGGGCGCGTGGGCCGCTTC[C>A]CTTCGGAGCTGGTGCAGCCCGCTGCTGCCCCCGACTTCCTGCAGCTGCCAACGGAGCCAG-3'
Protein context (NP_057323.3, residues 2934-2954): GTIHGRVGRF[Pro2944Thr]SELVQPAAAP